The following is an entry in ClinVar:

NM_000179.3(MSH6):c.2556G>T (p.Lys852Asn)

Gene: MSH6 (mutS homolog 6; plus strand). Cytogenetic location: 2p16.3.
Variant type: single nucleotide variant.
Coding change: c.2556G>T on transcript NM_000179.3 (MANE Select); coding-DNA position 2556, G replaced by T.
Protein change: p.Lys852Asn; replaces lysine 852 with asparagine.
Molecular consequence: missense variant.
Genome position (GRCh38, 1-based): chr2:47,800,539, G>T. VCF-style: chr2-47800539-G-T. GRCh37 (hg19) VCF-style: chr2-48027678-G-T.
Other names: c.2166G>T, p.Lys722Asn (NM_001281492.2); c.1650G>T, p.Lys550Asn (NM_001281493.2, NM_001281494.2); short protein forms K550N, K852N, K722N.
Identifiers: ClinVar variation 821486 (VCV000821486.5), dbSNP rs1572727626, ClinGen allele CA346754621.
Genomic context (GRCh38, chr2:47,800,539, plus strand): 5'-GAAGAGTCAGAACCACCCAGACAGCAGGGCTATAATGTATGAAGAAACTACATACAGCAA[G>T]AAGAAGATTATTGATTTTCTTTCTGCTCTGGAAGGATTCAAAGTAATGTGTAAAATTATA-3'
Protein context (NP_000170.1, residues 842-862): AIMYEETTYS[Lys852Asn]KKIIDFLSAL

ClinVar aggregate classification (germline): Uncertain significance (1 of 4 stars; one submission).

Conditions:
Hereditary cancer-predisposing syndrome. Also called: Neoplastic Syndromes, Hereditary; Tumor predisposition; Hereditary Cancer Syndrome; Hereditary neoplastic syndrome. Identifiers: Orphanet 140162, MedGen C0027672, MeSH D009386, MONDO:0015356.

Submission:

Ambry Genetics
Classification: Uncertain significance for Hereditary cancer-predisposing syndrome. Last evaluated: 2024-12-03. Review status: criteria provided, single submitter. Criteria: Ambry Variant Classification Scheme 2023. Collection method: clinical testing. Allele origin: germline.
Comment: The p.K852N variant (also known as c.2556G>T), located in coding exon 4 of the MSH6 gene, results from a G to T substitution at nucleotide position 2556. The lysine at codon 852 is replaced by asparagine, an amino acid with similar properties. This amino acid position is highly conserved in available vertebrate species. In addition, the in silico prediction for this alteration is inconclusive. Based on the available evidence, the clinical significance of this variant remains unclear.